The following is an entry in ClinVar:

ClinVar aggregate classification (germline): Likely benign. Review status: criteria provided, multiple submitters, no conflicts (2 of 4 stars). 2 submissions from 2 submitters: Likely benign (2). Last evaluated 2025-03-18.

Conditions:
Brody myopathy. Also called: BRODY DISEASE. Identifiers: Orphanet 53347, MedGen C1832918, MONDO:0010977, OMIM 601003.

Allele frequency attached by ClinVar (database versions not stated): gnomAD 0.00001 and 0.00002; TOPMed 0.00002; gnomAD exomes 0.00005 and 0.00009; ESP Exome Variant Server 0.00008; ExAC 0.00011.
gnomAD v4.1: 72 of 1,612,276 alleles (0.0045%); highest among the groups gnomAD compares: South Asian, 0.055%; 1 homozygote.

Submissions (2):

Labcorp Genetics (formerly Invitae), Labcorp
Classification: Likely benign for Brody myopathy. Last evaluated: 2025-03-18. Review status: criteria provided, single submitter. Criteria: Invitae Variant Classification Sherloc (09022015). Collection method: clinical testing. Allele origin: germline.

GeneDx
Classification: Likely benign. Last evaluated: 2017-11-22. Review status: criteria provided, single submitter. Criteria: GeneDx Variant Classification (06012015). Collection method: clinical testing. Allele origin: germline. Affected: yes.
Comment: This variant is considered likely benign or benign based on one or more of the following criteria: it is a conservative change, it occurs at a poorly conserved position in the protein, it is predicted to be benign by multiple in silico algorithms, and/or has population frequency not consistent with disease.

NM_004320.6(ATP2A1):c.1389G>A (p.Ser463=)

Gene: ATP2A1 (ATPase sarcoplasmic/endoplasmic reticulum Ca2+ transporting 1; plus strand). Cytogenetic location: 16p11.2.
Variant type: single nucleotide variant.
Coding change: c.1389G>A on transcript NM_004320.6 (MANE Select); coding-DNA position 1389, G replaced by A.
Protein change: p.Ser463=; no amino-acid change (serine 463 retained).
Molecular consequence: synonymous variant.
Genome position (GRCh38, 1-based): chr16:28,894,923, G>A. VCF-style: chr16-28894923-G-A. GRCh37 (hg19) VCF-style: chr16-28906244-G-A.
Other names: c.1014G>A, p.Ser338= (NM_001286075.2); c.1389G>A, p.Ser463= (NM_173201.5).
Identifiers: ClinVar variation 513565 (VCV000513565.4), dbSNP rs368170188, ClinGen allele CA7986947.